The following is an entry in ClinVar:

NM_000051.4(ATM):c.327C>G (p.Asn109Lys)

Gene: ATM (ATM serine/threonine kinase; plus strand). Cytogenetic location: 11q22.3.
Variant type: single nucleotide variant.
Coding change: c.327C>G on transcript NM_000051.4 (MANE Select); coding-DNA position 327, C replaced by G.
Protein change: p.Asn109Lys; replaces asparagine 109 with lysine.
Molecular consequence: missense variant.
Genome position (GRCh38, 1-based): chr11:108,229,319, C>G. VCF-style: chr11-108229319-C-G. GRCh37 (hg19) VCF-style: chr11-108100046-C-G.
Other names: c.327C>G, p.Asn109Lys (NM_001351834.2, NM_001351835.2, NM_001351836.2); short protein forms N109K.
Identifiers: ClinVar variation 3340305 (VCV003340305.1).
Genomic context (GRCh38, chr11:108,229,319, plus strand): 5'-CAGGCAGAAAAAGATGCAGGAAATCAGTAGTTTGGTCAAATACTTCATCAAATGTGCAAA[C>G]AGAAGTAAGTGATGTTATAAATTATAAATAAATGGCTTAACAGATTACTGTCGCGTGAGT-3'
Protein context (NP_000042.3, residues 99-119): SLVKYFIKCA[Asn109Lys]RRAPRLKCQE

ClinVar aggregate classification (germline): Uncertain significance (1 of 4 stars; one submission).

Submission:

GeneDx
Classification: Uncertain significance. Last evaluated: 2023-07-07. Review status: criteria provided, single submitter. Criteria: GeneDx Variant Classification Process June 2021. Collection method: clinical testing. Allele origin: germline. Affected: yes.
Comment: Not observed at significant frequency in large population cohorts (gnomAD); In silico analysis supports that this missense variant has a deleterious effect on protein structure/function; Has not been previously published as pathogenic or benign to our knowledge